The following is an entry in ClinVar:

NM_020693.4(DSCAML1):c.2090A>T (p.Asn697Ile)

Gene: DSCAML1 (DS cell adhesion molecule like 1; minus strand). Cytogenetic location: 11q23.3.
Variant type: single nucleotide variant.
Coding change: c.2090A>T on transcript NM_020693.4 (MANE Select); coding-DNA position 2090, A replaced by T.
Protein change: p.Asn697Ile; replaces asparagine 697 with isoleucine.
Molecular consequence: missense variant.
Genome position (GRCh38, 1-based): chr11:117,505,016, T>A on the plus strand (A>T on the coding strand, the complement: DSCAML1 is on the minus strand). VCF-style: chr11-117505016-T-A. GRCh37 (hg19) VCF-style: chr11-117375731-T-A.
Other names: c.2090A>T, p.Asn697Ile (NM_001367904.1); short protein forms N697I.
Identifiers: ClinVar variation 1941486 (VCV001941486.5), dbSNP rs759818029, ClinGen allele CA6297102.

ClinVar aggregate classification (germline): Uncertain significance (1 of 4 stars; one submission).

Allele frequency attached by ClinVar (database versions not stated): ExAC 0.00002.
gnomAD v4.1: 6 of 1,612,066 alleles (0.00037%); highest among the groups gnomAD compares: Admixed American, 0.01%; no homozygotes.

Submission:

Labcorp Genetics (formerly Invitae), Labcorp
Classification: Uncertain significance. Last evaluated: 2024-10-03. Review status: criteria provided, single submitter. Criteria: Invitae Variant Classification Sherloc (09022015). Collection method: clinical testing. Allele origin: germline.
Comment: This sequence change replaces asparagine, which is neutral and polar, with isoleucine, which is neutral and non-polar, at codon 757 of the DSCAML1 protein (p.Asn757Ile). This variant is present in population databases (rs759818029, gnomAD 0.02%). This variant has not been reported in the literature in individuals affected with DSCAML1-related conditions. ClinVar contains an entry for this variant (Variation ID: 1941486). An algorithm developed to predict the effect of missense changes on protein structure and function (PolyPhen-2) suggests that this variant is likely to be tolerated. In summary, the available evidence is currently insufficient to determine the role of this variant in disease. Therefore, it has been classified as a Variant of Uncertain Significance.